The following is an entry in ClinVar:

ClinVar aggregate classification (germline): Uncertain significance. Review status: criteria provided, multiple submitters, no conflicts (2 of 4 stars). 2 submissions from 2 submitters: Uncertain significance (2). Last evaluated 2022-10-15.

Conditions:
Cardiovascular phenotype. Identifiers: MedGen CN230736.

Allele frequency attached by ClinVar (database versions not stated): TOPMed 0.00003; gnomAD 0.00005; ExAC 0.00017; 1000 Genomes Project 0.00040; 1000 Genomes Project 30x 0.00047.
gnomAD v4.1: 23 of 1,549,378 alleles (0.0015%); highest among the groups gnomAD compares: Admixed American, 0.02%; no homozygotes.

Submissions (2):

Labcorp Genetics (formerly Invitae), Labcorp
Classification: Uncertain significance. Last evaluated: 2022-10-15. Review status: criteria provided, single submitter. Criteria: Invitae Variant Classification Sherloc (09022015). Collection method: clinical testing. Allele origin: germline.
Comment: This sequence change replaces alanine, which is neutral and non-polar, with threonine, which is neutral and polar, at codon 3221 of the ZNF469 protein (p.Ala3221Thr). This variant is present in population databases (rs560665168, gnomAD 0.01%). This variant has not been reported in the literature in individuals affected with ZNF469-related conditions. Algorithms developed to predict the effect of missense changes on protein structure and function (SIFT, PolyPhen-2, Align-GVGD) all suggest that this variant is likely to be tolerated. In summary, the available evidence is currently insufficient to determine the role of this variant in disease. Therefore, it has been classified as a Variant of Uncertain Significance.

Ambry Genetics
Classification: Uncertain significance for Cardiovascular phenotype. Last evaluated: 2021-06-27. Review status: criteria provided, single submitter. Criteria: Ambry Variant Classification Scheme 2023. Collection method: clinical testing. Allele origin: germline.
Comment: The p.A3221T variant (also known as c.9661G>A), located in coding exon 2 of the ZNF469 gene, results from a G to A substitution at nucleotide position 9661. The alanine at codon 3221 is replaced by threonine, an amino acid with similar properties. This amino acid position is poorly conserved in available vertebrate species. In addition, this alteration is predicted to be tolerated by in silico analysis. Since supporting evidence is limited at this time, the clinical significance of this alteration remains unclear.

NM_001367624.2(ZNF469):c.9745G>A (p.Ala3249Thr)

Gene: ZNF469 (zinc finger protein 469; plus strand). Cytogenetic location: 16q24.2.
Variant type: single nucleotide variant.
Coding change: c.9745G>A on transcript NM_001367624.2 (MANE Select); coding-DNA position 9745, G replaced by A.
Protein change: p.Ala3249Thr; replaces alanine 3249 with threonine.
Molecular consequence: missense variant.
Genome position (GRCh38, 1-based): chr16:88,437,215, G>A. VCF-style: chr16-88437215-G-A. GRCh37 (hg19) VCF-style: chr16-88503623-G-A.
Other names: NM_001127464.1:c.9661G>A; short protein forms A3249T.
Identifiers: ClinVar variation 1767705 (VCV001767705.4), dbSNP rs560665168, ClinGen allele CA8225451.